The following is an entry in ClinVar:

ClinVar aggregate classification (germline): Uncertain significance (1 of 4 stars; one submission).

Submission:

Labcorp Genetics (formerly Invitae), Labcorp
Classification: Uncertain significance. Last evaluated: 2023-08-17. Review status: criteria provided, single submitter. Criteria: Invitae Variant Classification Sherloc (09022015). Collection method: clinical testing. Allele origin: germline.
Comment: In summary, the available evidence is currently insufficient to determine the role of this variant in disease. Therefore, it has been classified as a Variant of Uncertain Significance. An algorithm developed to predict the effect of missense changes on protein structure and function (PolyPhen-2) suggests that this variant is likely to be disruptive. ClinVar contains an entry for this variant (Variation ID: 2012575). This variant has not been reported in the literature in individuals affected with TOP2B-related conditions. This variant is not present in population databases (gnomAD no frequency). This sequence change replaces aspartic acid, which is acidic and polar, with asparagine, which is neutral and polar, at codon 1374 of the TOP2B protein (p.Asp1374Asn).

NM_001330700.2(TOP2B):c.4135G>A (p.Asp1379Asn)

Gene: TOP2B (DNA topoisomerase II beta; minus strand). Cytogenetic location: 3p24.2.
Variant type: single nucleotide variant.
Coding change: c.4135G>A on transcript NM_001330700.2 (MANE Select); coding-DNA position 4135, G replaced by A.
Protein change: p.Asp1379Asn; replaces aspartic acid 1379 with asparagine.
Molecular consequence: missense variant.
Genome position (GRCh38, 1-based): chr3:25,607,334, C>T on the plus strand (G>A on the coding strand, the complement: TOP2B is on the minus strand). VCF-style: chr3-25607334-C-T. GRCh37 (hg19) VCF-style: chr3-25648825-C-T.
Other names: c.4120G>A, p.Asp1374Asn (NM_001068.3); short protein forms D1374N, D1379N.
Identifiers: ClinVar variation 2012575 (VCV002012575.4), dbSNP rs2529873167, ClinGen allele CA351892768.